The following is an entry in ClinVar:

NM_006254.4(PRKCD):c.1219A>C (p.Asn407His)

Gene: PRKCD (protein kinase C delta; plus strand). Cytogenetic location: 3p21.1.
Variant type: single nucleotide variant.
Coding change: c.1219A>C on transcript NM_006254.4 (MANE Select); coding-DNA position 1219, A replaced by C.
Protein change: p.Asn407His; replaces asparagine 407 with histidine.
Molecular consequence: missense variant.
Genome position (GRCh38, 1-based): chr3:53,186,299, A>C. VCF-style: chr3-53186299-A-C. GRCh37 (hg19) VCF-style: chr3-53220315-A-C.
Other names: c.1219A>C, p.Asn407His (NM_001316327.2, NM_001354679.2, NM_001354680.2 and 1 more transcripts); c.1276A>C, p.Asn426His (NM_001354676.2); c.1267A>C, p.Asn423His (NM_001354678.2); short protein forms N407H, N423H, N426H.
Identifiers: ClinVar variation 3726399 (VCV003726399.2).

ClinVar aggregate classification (germline): Uncertain significance (1 of 4 stars; one submission).

Conditions:
Autoimmune lymphoproliferative syndrome, type III caused by mutation in PRKCD. Identifiers: Orphanet 3261, Orphanet 664711, MedGen C3809928, MONDO:8000024, OMIM 615559.

Submission:

Labcorp Genetics (formerly Invitae), Labcorp
Classification: Uncertain significance for Autoimmune lymphoproliferative syndrome, type III caused by mutation in PRKCD. Last evaluated: 2024-11-30. Review status: criteria provided, single submitter. Criteria: Invitae Variant Classification Sherloc (09022015). Collection method: clinical testing. Allele origin: germline.
Comment: This sequence change replaces asparagine, which is neutral and polar, with histidine, which is basic and polar, at codon 407 of the PRKCD protein (p.Asn407His). This variant is not present in population databases (gnomAD no frequency). This variant has not been reported in the literature in individuals affected with PRKCD-related conditions. An algorithm developed to predict the effect of missense changes on protein structure and function outputs the following: PolyPhen-2: "Benign". The histidine amino acid residue is found in multiple mammalian species, which suggests that this missense change does not adversely affect protein function. In summary, the available evidence is currently insufficient to determine the role of this variant in disease. Therefore, it has been classified as a Variant of Uncertain Significance.